The following is an entry in ClinVar:

NM_001379081.2(FREM1):c.6139-2A>G

Gene: FREM1 (FRAS1 related extracellular matrix 1; minus strand). Cytogenetic location: 9p22.3.
Variant type: single nucleotide variant.
Coding change: c.6139-2A>G on transcript NM_001379081.2 (MANE Select); the canonical splice acceptor site of the intron before coding-DNA position 6139, A replaced by G.
Molecular consequence: splice acceptor variant. On other transcripts: intron variant (1).
Genome position (GRCh38, 1-based): chr9:14,746,470, T>C on the plus strand (A>G on the coding strand, the complement: FREM1 is on the minus strand). VCF-style: chr9-14746470-T-C. GRCh37 (hg19) VCF-style: chr9-14746468-T-C.
Other names: c.6139-2A>G (NM_144966.5, NM_144966.7); c.1747-2A>G (NM_001370061.2, NM_001177704.3); c.1596+453A>G (NM_001370058.2).
Identifiers: ClinVar variation 2181765 (VCV002181765.8), dbSNP rs200778244, ClinGen allele CA4989521.

ClinVar aggregate classification (germline): Likely pathogenic. Review status: criteria provided, multiple submitters, no conflicts (2 of 4 stars). 5 submissions from 5 submitters: Likely pathogenic (5). Last evaluated 2025-03-27.

Conditions:
FREM1-related disorder. Also called: FREM1-related condition; FREM1-Related Disorders.
Oculotrichoanal syndrome (MOTA). Also called: MARLES SYNDROME; Manitoba Oculotrichoanal (MOTA) Syndrome. Identifiers: Orphanet 2717, MedGen C1855425, MONDO:0009560, OMIM 248450.
BNAR syndrome. Also called: Bifid Nose With or Without Anorectal and Renal Anomalies (BNAR) Syndrome. Identifiers: Orphanet 217266, MedGen C2750433, MONDO:0012165, OMIM 608980.
Trigonocephaly 2 (TRIGNO2). Identifiers: Orphanet 3366, MedGen C3280974, MONDO:0013774, OMIM 614485.

Allele frequency attached by ClinVar (database versions not stated): gnomAD 0.00005; ESP Exome Variant Server 0.00008.
gnomAD v4.1: 160 of 1,607,314 alleles (0.01%); highest among the groups gnomAD compares: Non-Finnish European, 0.013%; no homozygotes.

Submissions (5):

Revvity Omics, Revvity
Classification: Likely pathogenic. Last evaluated: 2025-03-27. Review status: criteria provided, single submitter. Criteria: ACMG Guidelines, 2015. Collection method: clinical testing. Allele origin: germline.

Blueprint Genetics
Classification: Likely pathogenic for FREM1-related disorders. Last evaluated: 2024-09-12. Review status: criteria provided, single submitter. Criteria: ACMG Guidelines, 2015. Collection method: clinical testing. Allele origin: germline. Affected: yes. Observed: 3 variant alleles.

Fulgent Genetics
Classification: Likely pathogenic for Oculotrichoanal syndrome; BNAR syndrome; Trigonocephaly 2. Last evaluated: 2023-12-20. Review status: criteria provided, single submitter. Criteria: ACMG Guidelines, 2015. Collection method: clinical testing. Allele origin: germline.

GeneDx
Classification: Likely pathogenic. Last evaluated: 2023-05-01. Review status: criteria provided, single submitter. Criteria: GeneDx Variant Classification Process June 2021. Collection method: clinical testing. Allele origin: germline. Affected: yes.
Comment: Canonical splice site variant predicted to result in a null allele in a gene for which loss of function is a known mechanism of disease; Has not been previously published as pathogenic or benign to our knowledge; This variant is associated with the following publications: (PMID: 19732862, 16199547, 21507892)

Labcorp Genetics (formerly Invitae), Labcorp
Classification: Likely pathogenic. Last evaluated: 2022-03-04. Review status: criteria provided, single submitter. Criteria: Invitae Variant Classification Sherloc (09022015). Collection method: clinical testing. Allele origin: germline.
Comment: Algorithms developed to predict the effect of sequence changes on RNA splicing suggest that this variant may disrupt the consensus splice site. In summary, the currently available evidence indicates that the variant is pathogenic, but additional data are needed to prove that conclusively. Therefore, this variant has been classified as Likely Pathogenic. This variant has not been reported in the literature in individuals affected with FREM1-related conditions. This variant is present in population databases (rs200778244, gnomAD 0.004%). This sequence change affects an acceptor splice site in intron 35 of the FREM1 gene. It is expected to disrupt RNA splicing. Variants that disrupt the donor or acceptor splice site typically lead to a loss of protein function (PMID: 16199547), and loss-of-function variants in FREM1 are known to be pathogenic (PMID: 19732862, 21507892).

Literature cited by the submitters: PubMed 16199547 (cited by Labcorp Genetics (formerly Invitae), Labcorp); PubMed 19732862 (cited by Labcorp Genetics (formerly Invitae), Labcorp); PubMed 21507892 (cited by Labcorp Genetics (formerly Invitae), Labcorp).